The following is an entry in ClinVar:

NM_015602.4(TOR1AIP1):c.63dup (p.Arg22fs)

Genes: TOR1AIP1 (torsin 1A interacting protein 1; plus strand), LOC112577517 (Sharpr-MPRA regulatory region 13766; plus strand). Cytogenetic location: 1q25.2.
Variant type: Duplication.
Coding change: c.63dup on transcript NM_015602.4 (MANE Select); coding-DNA position 63, one base duplicated (C; older notation c.63dupC).
Protein change: p.Arg22fs; shifts the reading frame from arginine 22.
Molecular consequence: frameshift variant.
Genome position (GRCh38, 1-based): chr1:179,882,565, C duplicated; the last of 5 consecutive C bases (chr1:179,882,561-179,882,565); duplicating any one gives the same sequence. VCF-style (leftmost placement, unchanged base first): chr1-179882560-A-AC. GRCh37 (hg19) VCF-style: chr1-179851695-A-AC.
Other names: c.63dup, p.Arg22fs (NM_001267578.2); short protein forms R22fs.
Identifiers: ClinVar variation 3233244 (VCV003233244.2), dbSNP rs2526558374.

ClinVar aggregate classification (germline): Pathogenic (1 of 4 stars; one submission).

Conditions:
Centronuclear myopathy (CNM). Also called: Centronuclear myopathy, congenital; Myotubular myopathy. Identifiers: Orphanet 595, MedGen C0175709, MONDO:0018947. Inheritance: All.

Submission:

Muscle and Diseases Team, Institut de Génétique et Biologie Moléculaire et Cellulaire
Classification: Pathogenic for Centronuclear myopathy. Last evaluated: 2024-03-01. Review status: criteria provided, single submitter. Criteria: ACMG Guidelines, 2015. Collection method: research. Allele origin: unknown. Affected: yes. Observed: 1 variant allele.
Comment: PVS1+PM2+PP4

Literature cited by the submitters: DOI 10.1186/s13073-024-01353-0; PubMed 33405017.